The following is an entry in ClinVar:

ClinVar aggregate classification (germline): Benign/Likely benign. Review status: criteria provided, multiple submitters, no conflicts (2 of 4 stars). 5 submissions from 5 submitters: Benign (2); Likely benign (3). Last evaluated 2026-01-28.

Conditions:
Hereditary cancer-predisposing syndrome. Also called: Neoplastic Syndromes, Hereditary; Hereditary neoplastic syndrome; Tumor predisposition; Hereditary Cancer Syndrome. Identifiers: Orphanet 140162, MedGen C0027672, MeSH D009386, MONDO:0015356.
Tuberous sclerosis syndrome (TSC). Also called: Tuberous Sclerosis Complex; Tuberous sclerosis. Identifiers: Orphanet 805, MedGen C0041341, MONDO:0001734.
Tuberous sclerosis 2 (TSC2). Identifiers: Orphanet 805, MedGen C1860707, MONDO:0013199, OMIM 613254.

Allele frequency attached by ClinVar (database versions not stated): 1000 Genomes Project 30x 0.00031; 1000 Genomes Project 0.00040.
gnomAD v4.1: 53 of 1,605,950 alleles (0.0033%); highest among the groups gnomAD compares: East Asian, 0.078%; no homozygotes.

Submissions (5):

Labcorp Genetics (formerly Invitae), Labcorp
Classification: Likely benign for Tuberous sclerosis 2. Last evaluated: 2026-01-28. Review status: criteria provided, single submitter. Criteria: Invitae Variant Classification Sherloc (09022015). Collection method: clinical testing. Allele origin: germline.

Myriad Genetics, Inc.
Classification: Benign for Tuberous sclerosis 2. Last evaluated: 2024-09-09. Review status: criteria provided, single submitter. Criteria: Myriad Autosomal Dominant, Autosomal Recessive and X-Linked Classification Criteria (2023). Collection method: clinical testing. Allele origin: unknown.
Comment: This variant is considered benign. This variant is intronic and is not expected to impact mRNA splicing. This variant has been observed at a population frequency that is significantly greater than expected given the associated disease prevalence and penetrance.

Ambry Genetics
Classification: Benign for Hereditary cancer-predisposing syndrome. Last evaluated: 2022-10-25. Review status: criteria provided, single submitter. Criteria: Ambry Variant Classification Scheme 2023. Collection method: clinical testing. Allele origin: germline.

Genome-Nilou Lab
Classification: Likely benign for Tuberous sclerosis 2. Last evaluated: 2021-11-07. Review status: criteria provided, single submitter. Criteria: ACMG Guidelines, 2015. Collection method: clinical testing. Allele origin: germline. Affected: no.

Illumina Laboratory Services, Illumina
Classification: Likely benign for Tuberous sclerosis syndrome. Last evaluated: 2018-01-13. Review status: criteria provided, single submitter. Criteria: ICSL Variant Classification Criteria 13 December 2019. Collection method: clinical testing. Allele origin: germline.
Comment: This variant was observed in the ICSL laboratory as part of a predisposition screen in an ostensibly healthy population. It had not been previously curated by ICSL or reported in the Human Gene Mutation Database (HGMD: prior to June 1st, 2018), and was therefore a candidate for classification through an automated scoring system. Utilizing variant allele frequency, disease prevalence and penetrance estimates, and inheritance mode, an automated score was calculated to assess if this variant is too frequent to cause the disease. Based on the score and internal cut-off values, a variant classified as likely benign is not then subjected to further curation. The score for this variant resulted in a classification of likely benign for this disease.

NM_000548.5(TSC2):c.1947-4G>A

Gene: TSC2 (TSC complex subunit 2; plus strand). Cytogenetic location: 16p13.3.
Variant type: single nucleotide variant.
Coding change: c.1947-4G>A on transcript NM_000548.5 (MANE Select); 4 bases into the intron before coding-DNA position 1947, G replaced by A.
Molecular consequence: intron variant.
Genome position (GRCh38, 1-based): chr16:2,071,780, G>A. VCF-style: chr16-2071780-G-A. GRCh37 (hg19) VCF-style: chr16-2121781-G-A.
Other names: c.1947-4G>A (NM_001114382.3, NM_021055.3, NM_001370405.1 and 3 more transcripts); c.1836-4G>A (NM_001318827.2); c.1347-4G>A (NM_001318831.2); c.1800-4G>A (NM_001318829.2); c.1980-4G>A (NM_001318832.2).
Identifiers: ClinVar variation 318317 (VCV000318317.22), dbSNP rs201633455, ClinGen allele CA035173.